The following is an entry in ClinVar:

ClinVar aggregate classification (germline): Pathogenic (1 of 4 stars; one submission).

Conditions:
Cranioectodermal dysplasia 1 (CED1). Also called: LEVIN SYNDROME I. Identifiers: Orphanet 1515, MedGen C0432235, MONDO:0021093, OMIM 218330.

Submission:

Labcorp Genetics (formerly Invitae), Labcorp
Classification: Pathogenic for Cranioectodermal dysplasia 1. Last evaluated: 2024-03-26. Review status: criteria provided, single submitter. Criteria: Invitae Variant Classification Sherloc (09022015). Collection method: clinical testing. Allele origin: germline.
Comment: This sequence change creates a premature translational stop signal (p.Leu1117Alafs*30) in the IFT122 gene. It is expected to result in an absent or disrupted protein product. Loss-of-function variants in IFT122 are known to be pathogenic (PMID: 20493458, 23826986, 26792575). This variant is not present in population databases (gnomAD no frequency). This variant has not been reported in the literature in individuals affected with IFT122-related conditions. For these reasons, this variant has been classified as Pathogenic.

Literature cited by the submitters: PubMed 20493458; PubMed 23826986; PubMed 26792575.

NM_052989.3(IFT122):c.3194dup (p.Leu1066fs)

Gene: IFT122 (intraflagellar transport 122; plus strand). Cytogenetic location: 3q22.1.
Variant type: Duplication.
Coding change: c.3194dup on transcript NM_052989.3 (MANE Select); coding-DNA position 3194, one base duplicated (C; older notation c.3194dupC).
Protein change: p.Leu1066fs; shifts the reading frame from leucine 1066.
Molecular consequence: frameshift variant.
Genome position (GRCh38, 1-based): chr3:129,515,528, C duplicated; the last of 3 consecutive C bases (chr3:129,515,526-129,515,528); duplicating any one gives the same sequence. VCF-style (leftmost placement, unchanged base first): chr3-129515525-A-AC. GRCh37 (hg19) VCF-style: chr3-129234368-A-AC.
Other names: c.3173dup, p.Leu1059fs (NM_001280541.2); c.2744dup, p.Leu916fs (NM_001280545.2); c.2567dup, p.Leu857fs (NM_001280546.2); c.3197dup, p.Leu1067fs (NM_001410808.1); c.3140dup, p.Leu1048fs (NM_001410809.1); c.2963dup, p.Leu989fs (NM_001410813.1); c.2861dup, p.Leu955fs (NM_001410815.1); c.3020dup, p.Leu1008fs (NM_001410810.1); and 5 more; short protein forms L1007fs, L1048fs, L1066fs, L916fs, L955fs, L1117fs, L938fs, L989fs.
Identifiers: ClinVar variation 3647089 (VCV003647089.2).